The following is an entry in ClinVar:

NM_015335.5(MED13L):c.1084C>T (p.Pro362Ser)

Gene: MED13L (mediator complex subunit 13L; minus strand). Cytogenetic location: 12q24.21.
Variant type: single nucleotide variant.
Coding change: c.1084C>T on transcript NM_015335.5 (MANE Select); coding-DNA position 1084, C replaced by T.
Protein change: p.Pro362Ser; replaces proline 362 with serine.
Molecular consequence: missense variant.
Genome position (GRCh38, 1-based): chr12:116,015,200, G>A on the plus strand (C>T on the coding strand, the complement: MED13L is on the minus strand). VCF-style: chr12-116015200-G-A. GRCh37 (hg19) VCF-style: chr12-116453005-G-A.
Other names: short protein forms P362S.
Identifiers: ClinVar variation 4845486 (VCV004845486.1).
Genomic context (GRCh38, chr12:116,015,200, plus strand): 5'-TCCAGACTCGATGGACCATATGATTGTGGAGTTTTGGAGGAATCTTCCCCGATCTCTTTG[G>A]ACTGTGCATCGTTATCATCCCTCCATCTTGGGAAACCAGGTGACTGGCAGCACTCTGCAT-3'
Protein context (NP_056150.1, residues 352-372): QDGGMITMHS[Pro362Ser]KRSGKIPPKL

ClinVar aggregate classification (germline): Uncertain significance (1 of 4 stars; one submission).

Submission:

Greenwood Genetic Center Diagnostic Laboratories, Greenwood Genetic Center
Classification: Uncertain significance. Last evaluated: 2025-11-24. Review status: criteria provided, single submitter. Criteria: ACMG Guidelines, 2015. Collection method: clinical testing. Allele origin: germline. Affected: yes.
Comment: PM2